The following is an entry in ClinVar:

NM_033118.4(MYLK2):c.165del (p.Ala56fs)

Gene: MYLK2 (myosin light chain kinase 2; plus strand). Cytogenetic location: 20q11.21.
Variant type: Deletion.
Coding change: c.165del on transcript NM_033118.4 (MANE Select); coding-DNA position 165, one base deleted (A; older notation c.165delA).
Protein change: p.Ala56fs; shifts the reading frame from alanine 56.
Molecular consequence: frameshift variant.
Genome position (GRCh38, 1-based): chr20:31,820,238, A deleted; the last of 3 consecutive A bases (chr20:31,820,236-31,820,238); deleting any one gives the same sequence. VCF-style (leftmost placement, unchanged base first): chr20-31820235-CA-C. GRCh37 (hg19) VCF-style: chr20-30408038-CA-C.
Other names: short protein forms A56fs.
Identifiers: ClinVar variation 4712869 (VCV004712869.1).

ClinVar aggregate classification (germline): Uncertain significance (1 of 4 stars; one submission).

Conditions:
Hypertrophic cardiomyopathy 1 (CMH1). Also called: MYH7-Related Familial Hypertrophic Cardiomyopathy; Familial hypertrophic cardiomyopathy 1. Identifiers: MedGen C3495498, MONDO:0008647, OMIM 192600.

Submission:

Labcorp Genetics (formerly Invitae), Labcorp
Classification: Uncertain significance for Hypertrophic cardiomyopathy 1. Last evaluated: 2025-02-12. Review status: criteria provided, single submitter. Criteria: Invitae Variant Classification Sherloc (09022015). Collection method: clinical testing. Allele origin: germline.
Comment: This sequence change creates a premature translational stop signal (p.Ala56Profs*126) in the MYLK2 gene. It is expected to result in an absent or disrupted protein product. However, the current clinical and genetic evidence is not sufficient to establish whether loss-of-function variants in MYLK2 cause disease. This variant is not present in population databases (gnomAD no frequency). This variant has not been reported in the literature in individuals affected with MYLK2-related conditions. In summary, the available evidence is currently insufficient to determine the role of this variant in disease. Therefore, it has been classified as a Variant of Uncertain Significance.